The following is an entry in ClinVar:

ClinVar aggregate classification (germline): Uncertain significance (1 of 4 stars; one submission).

gnomAD v4.1: 1 of 1,377,000 alleles (0.000073%); highest among the groups gnomAD compares: Non-Finnish European, 0.000094%; no homozygotes.

Submission:

Labcorp Genetics (formerly Invitae), Labcorp
Classification: Uncertain significance. Last evaluated: 2025-08-06. Review status: criteria provided, single submitter. Criteria: Invitae Variant Classification Sherloc (09022015). Collection method: clinical testing. Allele origin: germline.
Comment: This sequence change replaces proline, which is neutral and non-polar, with serine, which is neutral and polar, at codon 111 of the ARID1A protein (p.Pro111Ser). This variant is not present in population databases (gnomAD no frequency). This variant has not been reported in the literature in individuals affected with ARID1A-related conditions. Invitae Evidence Modeling of protein sequence and biophysical properties (such as structural, functional, and spatial information, amino acid conservation, physicochemical variation, residue mobility, and thermodynamic stability) indicates that this missense variant is not expected to disrupt ARID1A protein function with a negative predictive value of 95%. In summary, the available evidence is currently insufficient to determine the role of this variant in disease. Therefore, it has been classified as a Variant of Uncertain Significance.

NM_006015.6(ARID1A):c.331C>T (p.Pro111Ser)

Gene: ARID1A (AT-rich interaction domain 1A; plus strand). Cytogenetic location: 1p36.11.
Variant type: single nucleotide variant.
Coding change: c.331C>T on transcript NM_006015.6 (MANE Select); coding-DNA position 331, C replaced by T.
Protein change: p.Pro111Ser; replaces proline 111 with serine.
Molecular consequence: missense variant.
Genome position (GRCh38, 1-based): chr1:26,696,734, C>T. VCF-style: chr1-26696734-C-T. GRCh37 (hg19) VCF-style: chr1-27023225-C-T.
Other names: c.331C>T, p.Pro111Ser (NM_139135.4); short protein forms P111S.
Identifiers: ClinVar variation 4782254 (VCV004782254.1).
Genomic context (GRCh38, chr1:26,696,734, plus strand): 5'-GGCGGCGGGCCCGGCGCGGAGCCGGACCTGAAGAACTCGAACGGGAACGCGGGCCCTAGG[C>T]CCGCCCTGAACAATAACCTCACGGAGCCGCCCGGCGGCGGCGGTGGCGGCAGCAGCGATG-3'
Protein context (NP_006006.3, residues 101-121): KNSNGNAGPR[Pro111Ser]ALNNNLTEPP